The following is an entry in ClinVar:

ClinVar aggregate classification (germline): Uncertain significance (1 of 4 stars; one submission).

Conditions:
Immunodeficiency. Identifiers: MedGen C0021051, MONDO:0021094, HP:0002721.

Submission:

Labcorp Genetics (formerly Invitae), Labcorp
Classification: Uncertain significance for Immunodeficiency. Last evaluated: 2021-12-22. Review status: criteria provided, single submitter. Criteria: Invitae Variant Classification Sherloc (09022015). Collection method: clinical testing. Allele origin: germline.
Comment: In summary, the available evidence is currently insufficient to determine the role of this variant in disease. Therefore, it has been classified as a Variant of Uncertain Significance. Experimental studies and prediction algorithms are not available or were not evaluated, and the functional significance of this variant is currently unknown. This variant has not been reported in the literature in individuals affected with NFAT5-related conditions. This variant is not present in population databases (gnomAD no frequency). This variant, c.3537_3557del, results in the deletion of 7 amino acid(s) of the NFAT5 protein (p.Gln1184_Gln1190del), but otherwise preserves the integrity of the reading frame.

NM_138713.4(NFAT5):c.3819_3839del (p.Gln1278_Gln1284del)

Gene: NFAT5 (nuclear factor of activated T cells 5; plus strand). Cytogenetic location: 16q22.1.
Variant type: Deletion.
Coding change: c.3819_3839del on transcript NM_138713.4 (MANE Select); coding-DNA positions 3819 to 3839, 21 bases deleted (ACAGCAGCAGCAACAGCAGCA).
Protein change: p.Gln1278_Gln1284del.
Molecular consequence: inframe deletion.
Genome position (GRCh38, 1-based): chr16:69,693,644-69,693,664, ACAGCAGCAGCAACAGCAGCA deleted; deleting any 21 consecutive bases within chr16:69,693,636-69,693,664 gives the same sequence; the c. name uses the placement nearest the transcript's 3' end. VCF-style (leftmost placement, unchanged base first): chr16-69693635-GCAGCAGCAACAGCAGCAGCAA-G. GRCh37 (hg19) VCF-style: chr16-69727538-GCAGCAGCAACAGCAGCAGCAA-G.
Other names: c.3816_3836del, p.Gln1277_Gln1283del (NM_001113178.3); c.3144_3164del, p.Gln1053_Gln1059del (NM_001367709.1); c.3765_3785del, p.Gln1260_Gln1266del (NM_006599.4); c.3537_3557del, p.Gln1184_Gln1190del (NM_138714.4, NM_173214.3, NM_173215.3).
Identifiers: ClinVar variation 2052910 (VCV002052910.4), dbSNP rs2544250175, ClinGen allele CA2580091888.